The following is an entry in ClinVar:

NM_000360.4(TH):c.1445T>C (p.Val482Ala)

Gene: TH (tyrosine hydroxylase; minus strand). Cytogenetic location: 11p15.5.
Variant type: single nucleotide variant.
Coding change: c.1445T>C on transcript NM_000360.4 (MANE Select); coding-DNA position 1445, T replaced by C.
Protein change: p.Val482Ala; replaces valine 482 with alanine.
Molecular consequence: missense variant.
Genome position (GRCh38, 1-based): chr11:2,164,282, A>G on the plus strand (T>C on the coding strand, the complement: TH is on the minus strand). VCF-style: chr11-2164282-A-G. GRCh37 (hg19) VCF-style: chr11-2185512-A-G.
Other names: c.1538T>C, p.Val513Ala (NM_199292.3); c.1526T>C, p.Val509Ala (NM_199293.3); short protein forms V482A, V513A, V509A.
Identifiers: ClinVar variation 2153148 (VCV002153148.1), dbSNP rs1846018888, ClinGen allele CA379124137.

ClinVar aggregate classification (germline): Uncertain significance (1 of 4 stars; one submission).

Conditions:
TH-deficient dopa-responsive dystonia. Also called: Tyrosine Hydroxylase-Deficient Dopa-Responsive Dystonia; Segawa syndrome, autosomal recessive; DYT-TH. Identifiers: Orphanet 101150, MedGen C2673535, MONDO:0011551, OMIM 605407.

Allele frequency attached by ClinVar (database versions not stated): gnomAD exomes below 0.00001; TOPMed 0.00001.
gnomAD v4.1: 4 of 1,503,806 alleles (0.00027%); highest among the groups gnomAD compares: Non-Finnish European, 0.00036%; no homozygotes.

Submission:

Labcorp Genetics (formerly Invitae), Labcorp
Classification: Uncertain significance for TH-deficient dopa-responsive dystonia. Last evaluated: 2022-03-31. Review status: criteria provided, single submitter. Criteria: Invitae Variant Classification Sherloc (09022015). Collection method: clinical testing. Allele origin: germline.
Comment: This sequence change replaces valine, which is neutral and non-polar, with alanine, which is neutral and non-polar, at codon 513 of the TH protein (p.Val513Ala). This variant is not present in population databases (gnomAD no frequency). This variant has not been reported in the literature in individuals affected with TH-related conditions. Algorithms developed to predict the effect of missense changes on protein structure and function (SIFT, PolyPhen-2, Align-GVGD) all suggest that this variant is likely to be disruptive. In summary, the available evidence is currently insufficient to determine the role of this variant in disease. Therefore, it has been classified as a Variant of Uncertain Significance.